The following is an entry in ClinVar:

ClinVar aggregate classification (germline): Uncertain significance (0 of 4 stars; one submission).

Conditions:
PLCG2-related disorder. Also called: PLCG2-related condition.

Submission:

PreventionGenetics, part of Exact Sciences
Classification: Uncertain significance for PLCG2-related condition. Last evaluated: 2024-07-01. Review status: no assertion criteria provided. Collection method: clinical testing. Allele origin: germline.
Comment: The PLCG2 c.3632delA variant is predicted to result in a frameshift and premature protein termination (p.Asn1211Thrfs*43). To our knowledge, this variant has not been reported in the literature or in a large population database, indicating this variant is rare. Loss-of-function is not an established mechanism of PLCG2-related disease. Although we suspect that this variant may be pathogenic, at this time, the clinical significance of this variant is uncertain due to the absence of conclusive functional and genetic evidence.

NM_002661.5(PLCG2):c.3632del (p.Asn1211fs)

Gene: PLCG2 (phospholipase C gamma 2; plus strand). Cytogenetic location: 16q23.3.
Variant type: Deletion.
Coding change: c.3632del on transcript NM_002661.5 (MANE Select); coding-DNA position 3632, one base deleted (A; older notation c.3632delA).
Protein change: p.Asn1211fs; shifts the reading frame from asparagine 1211.
Molecular consequence: frameshift variant.
Genome position (GRCh38, 1-based): chr16:81,956,756, A deleted; the last of 2 consecutive A bases (chr16:81,956,755-81,956,756); deleting either gives the same sequence. VCF-style (leftmost placement, unchanged base first): chr16-81956754-GA-G. GRCh37 (hg19) VCF-style: chr16-81990359-GA-G.
Other names: c.3632del, p.Asn1211fs (NM_001425749.1, NM_001425750.1, NM_001425751.1); short protein forms N1211fs.
Identifiers: ClinVar variation 3345281 (VCV003345281.1).